The following is an entry in ClinVar:

ClinVar aggregate classification (germline): Uncertain significance (1 of 4 stars; one submission).

Conditions:
WDR81-related disorder. Also called: WDR81-related condition.

Submission:

PreventionGenetics, part of Exact Sciences
Classification: Uncertain significance for WDR81-related condition. Last evaluated: 2025-02-25. Review status: criteria provided, single submitter. Criteria: ACMG Guidelines, 2015. Collection method: clinical testing. Allele origin: germline.
Comment: The WDR81 c.2510C>A variant is predicted to result in the amino acid substitution p.Ala837Glu. To our knowledge, this variant has not been reported in the literature or in a large population database (gnomAD), indicating this variant is rare. At this time, the clinical significance of this variant is uncertain due to the absence of conclusive functional and genetic evidence.

NM_001163809.2(WDR81):c.2510C>A (p.Ala837Glu)

Gene: WDR81 (WD repeat domain 81; plus strand). Cytogenetic location: 17p13.3.
Variant type: single nucleotide variant.
Coding change: c.2510C>A on transcript NM_001163809.2 (MANE Select); coding-DNA position 2510, C replaced by A.
Protein change: p.Ala837Glu; replaces alanine 837 with glutamic acid.
Molecular consequence: missense variant. On other transcripts: intron variant (3).
Genome position (GRCh38, 1-based): chr17:1,727,469, C>A. VCF-style: chr17-1727469-C-A. GRCh37 (hg19) VCF-style: chr17-1630763-C-A.
Other names: c.-123-521C>A (NM_152348.4); c.59-2911C>A (NM_001163673.2); c.-15+2683C>A (NM_001163811.2); short protein forms A837E.
Identifiers: ClinVar variation 4988636 (VCV004988636.1).